The following is an entry in ClinVar:

NM_001277115.2(DNAH11):c.6895G>T (p.Glu2299Ter)

Gene: DNAH11 (dynein axonemal heavy chain 11; plus strand). Cytogenetic location: 7p15.3.
Variant type: single nucleotide variant.
Coding change: c.6895G>T on transcript NM_001277115.2 (MANE Select); coding-DNA position 6895, G replaced by T.
Protein change: p.Glu2299Ter; replaces glutamic acid 2299 with a stop codon.
Molecular consequence: nonsense.
Genome position (GRCh38, 1-based): chr7:21,711,772, G>T. VCF-style: chr7-21711772-G-T. GRCh37 (hg19) VCF-style: chr7-21751390-G-T.
Other names: NM_001277115.2(DNAH11):c.6895G>T; p.Glu2299Ter; short protein forms E2299*.
Identifiers: ClinVar variation 810071 (VCV000810071.43), dbSNP rs1156473739, ClinGen allele CA366941451.

ClinVar aggregate classification (germline): Conflicting classifications of pathogenicity. Review status: criteria provided, conflicting classifications (1 of 4 stars). 2 submissions from 2 submitters: Likely pathogenic (1); Uncertain significance (1). Last evaluated 2025-02-14.

Conditions:
Primary ciliary dyskinesia 7. Also called: CILIARY DYSKINESIA, PRIMARY, 7, WITH OR WITHOUT SITUS INVERSUS. Identifiers: Orphanet 244, MedGen C2678473, MONDO:0012748, OMIM 611884.

Allele frequency attached by ClinVar (database versions not stated): gnomAD exomes below 0.00001; TOPMed below 0.00001.
gnomAD v4.1: 2 of 1,613,924 alleles (0.00012%); highest among the groups gnomAD compares: Non-Finnish European, 0.00017%; no homozygotes.

Submissions (2):

Broad Center for Mendelian Genomics, Broad Institute of MIT and Harvard
Classification: Uncertain significance for Primary ciliary dyskinesia 7. Last evaluated: 2025-02-14. Review status: criteria provided, single submitter. Criteria: ACMG Guidelines, 2015. Collection method: curation. Allele origin: germline. Inheritance: Autosomal recessive inheritance.
Comment: The p.Glu2299Ter variant in DNAH11 has not been previously reported in the literature in individuals with primary ciliary dyskinesia, but has been identified in 0.0002% (2/1179840) of European (non-Finnish) chromosomes by the Genome Aggregation Database (gnomAD; dbSNP rs1156473739). Although this variant has been seen in the general population in a heterozygous state, its frequency is low enough to be consistent with a recessive carrier frequency. This variant has also been reported in ClinVar (Variation ID: 810071) and has been interpreted as pathogenic by CeGaT Center for Human Genetics Tuebingen. This nonsense variant leads to a premature termination codon at position 2299, which is predicted to lead to a truncated or absent protein. There is an in-frame cryptic splice site 63 bases from the intron-exon boundary, providing evidence that this variant may delete 21 amino acids, including the nonsense variant, instead of causing loss of function. However, this information is not predictive enough to determine pathogenicity. Loss of function of the DNAH11 gene is an established disease mechanism in autosomal recessive primary ciliary dyskinesia. In summary, while there is some suspicion for a pathogenic role, the clinical significance of this variant is uncertain.. ACMG/AMP Criteria applied: PVS1_strong, PM2_supporting (Richards 2015).

CeGaT Center for Human Genetics Tuebingen
Classification: Likely pathogenic. Last evaluated: 2019-02-01. Review status: criteria provided, single submitter. Criteria: CeGaT Center For Human Genetics Tuebingen Variant Classification Criteria Version 2. Collection method: clinical testing. Allele origin: germline. Affected: yes. Observed: 3 variant alleles.